The following is an entry in ClinVar:

ClinVar aggregate classification (germline): Pathogenic (1 of 4 stars; one submission).

Conditions:
Recessive dystrophic epidermolysis bullosa (RDEB). Also called: DYSTROPHIC EPIDERMOLYSIS BULLOSA, AUTOSOMAL RECESSIVE; EPIDERMOLYSIS BULLOSA DYSTROPHICA, HALLOPEAU-SIEMENS TYPE; Hallopeau-Siemens Disease; severe generalized recessive dystrophic epidermolysis bullosa; EPIDERMOLYSIS BULLOSA DYSTROPHICA, GENERALIZED SEVERE, AUTOSOMAL RECESSIVE; Epidermolysis Bullosa Distrophica Autosomal Recessive (RDEB). Identifiers: Orphanet 79408, Orphanet 79409, MedGen C0079474, MONDO:0009179, OMIM 226600.

Submission:

Myriad Genetics, Inc.
Classification: Pathogenic for Recessive dystrophic epidermolysis bullosa. Last evaluated: 2024-05-25. Review status: criteria provided, single submitter. Criteria: Myriad Autosomal Dominant, Autosomal Recessive and X-Linked Classification Criteria (2023). Collection method: clinical testing. Allele origin: unknown.
Comment: NM_000094.3(COL7A1):c.2786_2787delAG(Q929Lfs*24) is expected to be pathogenic in the context of dystrophic epidermolysis bullosa. This variant is predicted to lead to an abnormal or absent protein product due to the creation of a premature termination codon in COL7A1, a gene where loss-of-function variants are known to be pathogenic. Please note: this variant was assessed in the context of healthy population screening.

NM_000094.4(COL7A1):c.2786_2787del (p.Gln929fs)

Gene: COL7A1 (collagen type VII alpha 1 chain; minus strand). Cytogenetic location: 3p21.31.
Variant type: Deletion.
Coding change: c.2786_2787del on transcript NM_000094.4 (MANE Select); coding-DNA positions 2786 to 2787, 2 bases deleted (AG; older notation c.2786_2787delAG).
Protein change: p.Gln929fs; shifts the reading frame from glutamine 929.
Molecular consequence: frameshift variant.
Genome position (GRCh38, 1-based): chr3:48,587,863-48,587,864, CT deleted on the plus strand (AG on the coding strand, the reverse complement: COL7A1 is on the minus strand). VCF-style (leftmost placement, unchanged base first): chr3-48587862-ACT-A. GRCh37 (hg19) VCF-style: chr3-48625295-ACT-A.
Other names: short protein forms Q929fs.
Identifiers: ClinVar variation 5013111 (VCV005013111.1).